The following is an entry in ClinVar:

NM_001024630.4(RUNX2):c.1385dup (p.Asp463fs)

Gene: RUNX2 (RUNX family transcription factor 2; plus strand). Cytogenetic location: 6p21.1.
Variant type: Duplication.
Coding change: c.1385dup on transcript NM_001024630.4 (MANE Select); coding-DNA position 1385, one base duplicated (G; older notation c.1385dupG).
Protein change: p.Asp463fs; shifts the reading frame from aspartic acid 463.
Molecular consequence: frameshift variant.
Genome position (GRCh38, 1-based): chr6:45,547,124, G duplicated; the last of 6 consecutive G bases (chr6:45,547,119-45,547,124); duplicating any one gives the same sequence. VCF-style (leftmost placement, unchanged base first): chr6-45547118-C-CG. GRCh37 (hg19) VCF-style: chr6-45514855-C-CG.
Other names: c.1319dup, p.Asp441fs (NM_001015051.4); c.1277dup, p.Asp427fs (NM_001278478.2); c.1343dup, p.Asp449fs (NM_001369405.1); c.1385dupG (NM_001024630.3, NM_001024630.4); short protein forms D427fs, D441fs, D449fs, D463fs.
Identifiers: ClinVar variation 1300878 (VCV001300878.7), dbSNP rs1561822364, ClinGen allele CA2573052697.

ClinVar aggregate classification (germline): Pathogenic/Likely pathogenic. Review status: criteria provided, multiple submitters, no conflicts (2 of 4 stars). 4 submissions from 4 submitters: Pathogenic (3); Likely pathogenic (1). Last evaluated 2025-09-22.

Conditions:
RUNX2-related disorder. Also called: RUNX2-related condition.

Submissions (4):

Labcorp Genetics (formerly Invitae), Labcorp
Classification: Pathogenic. Last evaluated: 2025-09-22. Review status: criteria provided, single submitter. Criteria: Invitae Variant Classification Sherloc (09022015). Collection method: clinical testing. Allele origin: germline.
Comment: This sequence change creates a premature translational stop signal (p.Asp463Argfs*27) in the RUNX2 gene. While this is not anticipated to result in nonsense mediated decay, it is expected to disrupt the last 59 amino acid(s) of the RUNX2 protein. This variant is not present in population databases (gnomAD no frequency). This premature translational stop signal has been observed in individuals with clinical features of cleidocranial dysplasia (PMID: 10521292, 20648631; internal data). ClinVar contains an entry for this variant (Variation ID: 1300878). For these reasons, this variant has been classified as Pathogenic.

PreventionGenetics, part of Exact Sciences
Classification: Pathogenic for RUNX2-related condition. Last evaluated: 2024-10-28. Review status: criteria provided, single submitter. Criteria: ACMG Guidelines, 2015. Collection method: clinical testing. Allele origin: germline.
Comment: The RUNX2 c.1385dupG variant is predicted to result in a frameshift and premature protein termination (p.Asp463Argfs*27). This variant was reported in an individual with cleidocranial dysplasia (Ott et al. 2010. PubMed ID: 20648631). This variant has not been reported in a large population database (gnomAD), indicating this variant is rare. Frameshift variants in RUNX2 are expected to be pathogenic. This variant is interpreted as pathogenic.

Blueprint Genetics
Classification: Likely pathogenic for RUNX2-related disorders. Last evaluated: 2023-07-25. Review status: criteria provided, single submitter. Criteria: ACMG Guidelines, 2015. Collection method: clinical testing. Allele origin: germline. Affected: yes. Observed: 2 variant alleles.

GeneDx
Classification: Pathogenic. Last evaluated: 2021-10-14. Review status: criteria provided, single submitter. Criteria: GeneDx Variant Classification Process June 2021. Collection method: clinical testing. Allele origin: germline. Affected: yes.
Comment: Identified in a patient with cleidocranial dysplasia in published literature (Ott et al., 2010); Frameshift variant in the C-terminus predicted to result in protein truncation, as the last 59 amino acids are lost and replaced with 26 incorrect amino acids; Not observed in large population cohorts (Lek et al., 2016); This variant is associated with the following publications: (PMID: 20648631)

Literature cited by the submitters: PubMed 10521292 (cited by Labcorp Genetics (formerly Invitae), Labcorp); PubMed 20648631 (cited by Labcorp Genetics (formerly Invitae), Labcorp).